The following is an entry in ClinVar:

NM_001082486.2(ACD):c.328G>A (p.Gly110Ser)

Gene: ACD (ACD shelterin complex subunit and telomerase recruitment factor; minus strand). Cytogenetic location: 16q22.1.
Variant type: single nucleotide variant.
Coding change: c.328G>A on transcript NM_001082486.2 (MANE Select); coding-DNA position 328, G replaced by A.
Protein change: p.Gly110Ser; replaces glycine 110 with serine.
Molecular consequence: missense variant.
Genome position (GRCh38, 1-based): chr16:67,659,710, C>T on the plus strand (G>A on the coding strand, the complement: ACD is on the minus strand). VCF-style: chr16-67659710-C-T. GRCh37 (hg19) VCF-style: chr16-67693613-C-T.
Other names: c.328G>A, p.Gly110Ser (NM_001410884.1); c.319G>A, p.Gly107Ser (NM_022914.3); short protein forms G107S, G110S.
Identifiers: ClinVar variation 3261512 (VCV003261512.1).

ClinVar aggregate classification (germline): Uncertain significance (1 of 4 stars; one submission).

Conditions:
Inborn genetic diseases. Identifiers: MedGen C0950123, MeSH D030342.

Submission:

Ambry Genetics
Classification: Uncertain significance for Inborn genetic diseases. Last evaluated: 2024-03-24. Review status: criteria provided, single submitter. Criteria: Ambry Variant Classification Scheme 2023. Collection method: clinical testing. Allele origin: germline.
Comment: The p.G196S variant (also known as c.586G>A), located in coding exon 3 of the ACD gene, results from a G to A substitution at nucleotide position 586. The glycine at codon 196 is replaced by serine, an amino acid with similar properties. This amino acid position is conserved. In addition, this alteration is predicted to be tolerated by in silico analysis. Based on the available evidence, the clinical significance of this alteration remains unclear.